The following is an entry in ClinVar:

NM_016156.6(MTMR2):c.11G>C (p.Ser4Thr)

Gene: MTMR2 (myotubularin related protein 2; minus strand). Cytogenetic location: 11q21.
Variant type: single nucleotide variant.
Coding change: c.11G>C on transcript NM_016156.6 (MANE Select); coding-DNA position 11, G replaced by C.
Protein change: p.Ser4Thr; replaces serine 4 with threonine.
Molecular consequence: missense variant. On other transcripts: 5 prime UTR variant (3).
Genome position (GRCh38, 1-based): chr11:95,923,944, C>G on the plus strand (G>C on the coding strand, the complement: MTMR2 is on the minus strand). VCF-style: chr11-95923944-C-G. GRCh37 (hg19) VCF-style: chr11-95657108-C-G.
Other names: c.-473G>C (NM_001243571.2); c.-400G>C (NM_201278.3); c.-277G>C (NM_201281.3); short protein forms S4T.
Identifiers: ClinVar variation 862809 (VCV000862809.9), dbSNP rs771823531, ClinGen allele CA6240500.

ClinVar aggregate classification (germline): Uncertain significance (1 of 4 stars; one submission).

Conditions:
Charcot-Marie-Tooth disease type 4. Also called: Charcot-Marie-Tooth disease, type IV; Charcot-Marie-Tooth, Type 4. Identifiers: Orphanet 64749, MedGen C4082197, MONDO:0018995.

Allele frequency attached by ClinVar (database versions not stated): ExAC below 0.00001; gnomAD exomes 0.00001; gnomAD 0.00002 and 0.00003.
gnomAD v4.1: 14 of 1,560,490 alleles (0.0009%); highest among the groups gnomAD compares: Non-Finnish European, 0.0012%; no homozygotes.

Submission:

Labcorp Genetics (formerly Invitae), Labcorp
Classification: Uncertain significance for Charcot-Marie-Tooth disease type 4. Last evaluated: 2024-12-09. Review status: criteria provided, single submitter. Criteria: Invitae Variant Classification Sherloc (09022015). Collection method: clinical testing. Allele origin: germline.
Comment: This sequence change replaces serine, which is neutral and polar, with threonine, which is neutral and polar, at codon 4 of the MTMR2 protein (p.Ser4Thr). This variant is present in population databases (rs771823531, gnomAD 0.004%). This variant has not been reported in the literature in individuals affected with MTMR2-related conditions. ClinVar contains an entry for this variant (Variation ID: 862809). Invitae Evidence Modeling of protein sequence and biophysical properties (such as structural, functional, and spatial information, amino acid conservation, physicochemical variation, residue mobility, and thermodynamic stability) indicates that this missense variant is not expected to disrupt MTMR2 protein function with a negative predictive value of 95%. In summary, the available evidence is currently insufficient to determine the role of this variant in disease. Therefore, it has been classified as a Variant of Uncertain Significance.